The following is an entry in ClinVar:

ClinVar aggregate classification (germline): Pathogenic (1 of 4 stars; one submission).

Conditions:
Familial adenomatous polyposis 1 (FAP1). Also called: FAMILIAL ADENOMATOUS POLYPOSIS 1, ATTENUATED; POLYPOSIS, ADENOMATOUS INTESTINAL. Identifiers: MedGen C2713442, MONDO:0021056, OMIM 175100. Disease mechanism: loss of function.

Submission:

Labcorp Genetics (formerly Invitae), Labcorp
Classification: Pathogenic for Familial adenomatous polyposis 1. Last evaluated: 2019-01-27. Review status: criteria provided, single submitter. Criteria: Invitae Variant Classification Sherloc (09022015). Collection method: clinical testing. Allele origin: germline.
Comment: This variant is not present in population databases (ExAC no frequency). This variant has not been reported in the literature in individuals with APC-related conditions. This variant is expected to disrupt the EB1 and HDLG binding sites, which mediate interactions with the cytoskeleton (PMID: 15311282, 17293347). While functional studies have not been performed to directly test the effect on APC protein function, this suggests that disruption of the C-terminal portion of the protein is functionally important. A different truncation (p.Tyr2645Lysfs*14) that lies downstream of this variant has been determined to be pathogenic (PMID: 9824584, 1316610, 27081525, 8381579, 22135120, Invitae). This suggests that deletion of this region of the APC protein is causative of disease. For these reasons, this variant has been classified as Pathogenic. This sequence change results in a premature translational stop signal in the APC gene (p.Ile676Glnfs*2). While this is not anticipated to result in nonsense mediated decay, it is expected to disrupt the last 2168 amino acids of the APC protein.

Literature cited by the submitters: PubMed 15311282; PubMed 17293347; PubMed 9824584; PubMed 1316610; PubMed 27081525; PubMed 8381579; PubMed 22135120.

NM_000038.6(APC):c.2024_2025dup (p.Ile676fs)

Gene: APC (APC regulator of Wnt signaling pathway; plus strand). Cytogenetic location: 5q22.2.
Variant type: Duplication.
Coding change: c.2024_2025dup on transcript NM_000038.6 (MANE Select); coding-DNA positions 2024 to 2025, 2 bases duplicated (CA; older notation c.2024_2025dupCA).
Protein change: p.Ile676fs; shifts the reading frame from isoleucine 676.
Molecular consequence: frameshift variant.
Genome position (GRCh38, 1-based): chr5:112,837,618-112,837,619, CA duplicated; duplicating any 2 consecutive bases within chr5:112,837,617-112,837,619 gives the same sequence; the c. name uses the placement nearest the transcript's 3' end. VCF-style (leftmost placement, unchanged base first): chr5-112837616-G-GAC. GRCh37 (hg19) VCF-style: chr5-112173313-G-GAC.
Other names: c.2024_2025dup, p.Ile676fs (NM_001127510.3, NM_001354895.2); c.1970_1971dup, p.Ile658fs (NM_001127511.3); c.2078_2079dup, p.Ile694fs (NM_001354896.2); c.2054_2055dup, p.Ile686fs (NM_001354897.2); c.1949_1950dup, p.Ile651fs (NM_001354898.2); c.1940_1941dup, p.Ile648fs (NM_001354899.2); c.1901_1902dup, p.Ile635fs (NM_001354900.2); c.1847_1848dup, p.Ile617fs (NM_001354901.2); and 5 more; short protein forms I575fs, I651fs, I686fs, I694fs, I516fs, I617fs, I648fs, I393fs.
Identifiers: ClinVar variation 850080 (VCV000850080.11), dbSNP rs1765092962, ClinGen allele CA916080350.